The following is an entry in ClinVar:

NM_001943.5(DSG2):c.62G>A (p.Gly21Glu)

Gene: DSG2 (desmoglein 2; plus strand). Cytogenetic location: 18q12.1.
Variant type: single nucleotide variant.
Coding change: c.62G>A on transcript NM_001943.5 (MANE Select); coding-DNA position 62, G replaced by A.
Protein change: p.Gly21Glu; replaces glycine 21 with glutamic acid.
Molecular consequence: missense variant.
Genome position (GRCh38, 1-based): chr18:31,518,255, G>A. VCF-style: chr18-31518255-G-A. GRCh37 (hg19) VCF-style: chr18-29098218-G-A.
Other names: short protein forms G21E.
Identifiers: ClinVar variation 3073069 (VCV003073069.1), dbSNP rs2510909541, ClinGen allele CA402129872.

ClinVar aggregate classification (germline): Uncertain significance (1 of 4 stars; one submission).

Conditions:
Arrhythmogenic right ventricular cardiomyopathy (ARVD). Also called: Arrhythmogenic right ventricular dysplasia; Cardiomyopathy, ARVC; Arrhythmogenic cardiomyopathy; Arrhythmogenic Right Ventricular Cardiomyopathy (ARVC). Identifiers: Orphanet 247, MedGen C0349788, MeSH D019571, MONDO:0016587. Disease mechanism: loss of function. Inheritance: Various modes of inheritance.

Allele frequency attached by ClinVar (database versions not stated): gnomAD exomes below 0.00001.
gnomAD v4.1: 1 of 1,613,414 alleles (0.000062%); highest among the groups gnomAD compares: East Asian, 0.0022%; no homozygotes.

Submission:

All of Us Research Program, National Institutes of Health
Classification: Uncertain significance for Arrhythmogenic right ventricular cardiomyopathy. Last evaluated: 2023-11-30. Review status: criteria provided, single submitter. Criteria: ACMG Guidelines, 2015. Collection method: clinical testing. Allele origin: germline. Inheritance: Autosomal dominant inheritance. Observed: 1 variant allele, 1 heterozygote.
Comment: This study involves interpretation of variants in research participants for the purpose of population health screening. Participant phenotype was not available at the time of variant classification. Additional details can be found in publication PMID: 35346344, PMCID: PMC8962531